The following is an entry in ClinVar:

ClinVar aggregate classification (germline): Likely benign. Review status: criteria provided, multiple submitters, no conflicts (2 of 4 stars). 2 submissions from 2 submitters: Likely benign (2). Last evaluated 2026-07-01.

gnomAD v4.1: 3 of 1,613,990 alleles (0.00019%); highest among the groups gnomAD compares: Non-Finnish European, 0.00025%; no homozygotes.

Submissions (2):

CeGaT Center for Human Genetics Tuebingen
Classification: Likely benign. Last evaluated: 2026-07-01. Review status: criteria provided, single submitter. Criteria: CeGaT Center For Human Genetics Tuebingen Variant Classification Criteria Version 2. Collection method: clinical testing. Allele origin: germline. Affected: yes. Observed: 1 variant allele.
Comment: RIN2: BP4, BP7

Labcorp Genetics (formerly Invitae), Labcorp
Classification: Likely benign. Last evaluated: 2025-06-23. Review status: criteria provided, single submitter. Criteria: Invitae Variant Classification Sherloc (09022015). Collection method: clinical testing. Allele origin: germline.

NM_018993.4(RIN2):c.810C>T (p.Cys270=)

Gene: RIN2 (Ras and Rab interactor 2; plus strand). Cytogenetic location: 20p11.23.
Variant type: single nucleotide variant.
Coding change: c.810C>T on transcript NM_018993.4 (MANE Select); coding-DNA position 810, C replaced by T.
Protein change: p.Cys270=; no amino-acid change (cysteine 270 retained).
Molecular consequence: synonymous variant.
Genome position (GRCh38, 1-based): chr20:19,974,835, C>T. VCF-style: chr20-19974835-C-T. GRCh37 (hg19) VCF-style: chr20-19955479-C-T.
Other names: c.957C>T, p.Cys319= (NM_001242581.2); c.192C>T, p.Cys64= (NM_001378238.1).
Identifiers: ClinVar variation 4810770 (VCV004810770.2).